The following is an entry in ClinVar:

NM_001128840.3(CACNA1D):c.4600A>G (p.Met1534Val)

Gene: CACNA1D (calcium voltage-gated channel subunit alpha1 D; plus strand). Cytogenetic location: 3p21.1.
Variant type: single nucleotide variant.
Coding change: c.4600A>G on transcript NM_001128840.3 (MANE Select); coding-DNA position 4600, A replaced by G.
Protein change: p.Met1534Val; replaces methionine 1534 with valine.
Molecular consequence: missense variant.
Genome position (GRCh38, 1-based): chr3:53,780,038, A>G. VCF-style: chr3-53780038-A-G. GRCh37 (hg19) VCF-style: chr3-53814065-A-G.
Other names: c.4660A>G, p.Met1554Val (NM_000720.4); c.4555A>G, p.Met1519Val (NM_001128839.3); short protein forms M1519V, M1554V, M1534V.
Identifiers: ClinVar variation 3005050 (VCV003005050.3), dbSNP rs1413239625, ClinGen allele CA353244676.

ClinVar aggregate classification (germline): Uncertain significance (1 of 4 stars; one submission).

Allele frequency attached by ClinVar (database versions not stated): gnomAD exomes below 0.00001.

Submission:

Labcorp Genetics (formerly Invitae), Labcorp
Classification: Uncertain significance. Last evaluated: 2024-01-04. Review status: criteria provided, single submitter. Criteria: Invitae Variant Classification Sherloc (09022015). Collection method: clinical testing. Allele origin: germline.
Comment: This sequence change replaces methionine, which is neutral and non-polar, with valine, which is neutral and non-polar, at codon 1554 of the CACNA1D protein (p.Met1554Val). This variant is present in population databases (no rsID available, gnomAD 0.004%). This variant has not been reported in the literature in individuals affected with CACNA1D-related conditions. Advanced modeling of protein sequence and biophysical properties (such as structural, functional, and spatial information, amino acid conservation, physicochemical variation, residue mobility, and thermodynamic stability) performed at Invitae indicates that this missense variant is expected to disrupt CACNA1D protein function with a positive predictive value of 80%. In summary, the available evidence is currently insufficient to determine the role of this variant in disease. Therefore, it has been classified as a Variant of Uncertain Significance.